The following is an entry in ClinVar:

NM_001853.4(COL9A3):c.1603+13_1603+14delinsTC

Genes: COL9A3 (collagen type IX alpha 3 chain; plus strand), LOC126863084 (MED14-independent group 3 enhancer GRCh37_chr20:61467141-61468340; plus strand). Cytogenetic location: 20q13.33.
Variant type: Indel.
Coding change: c.1603+13_1603+14delinsTC on transcript NM_001853.4 (MANE Select); bases 13 to 14 of the intron after coding-DNA position 1603, CG replaced by TC.
Molecular consequence: intron variant.
Genome position (GRCh38, 1-based): chr20:62,836,545-62,836,546, CG replaced by TC. VCF-style: chr20-62836545-CG-TC. GRCh37 (hg19) VCF-style: chr20-61467897-CG-TC.
Identifiers: ClinVar variation 2834296 (VCV002834296.3), dbSNP rs2516087104, ClinGen allele CA2739277268.

ClinVar aggregate classification (germline): Uncertain significance (1 of 4 stars; one submission).

Submission:

Labcorp Genetics (formerly Invitae), Labcorp
Classification: Uncertain significance. Last evaluated: 2023-10-10. Review status: criteria provided, single submitter. Criteria: Invitae Variant Classification Sherloc (09022015). Collection method: clinical testing. Allele origin: germline.
Comment: This sequence change falls in intron 29 of the COL9A3 gene. It does not directly change the encoded amino acid sequence of the COL9A3 protein. Information on the frequency of this variant in the gnomAD database is not available, as this variant may be reported differently in the database. This variant has not been reported in the literature in individuals affected with COL9A3-related conditions. Experimental studies and prediction algorithms are not available or were not evaluated, and the effect of this variant on mRNA splicing is currently unknown. In summary, the available evidence is currently insufficient to determine the role of this variant in disease. Therefore, it has been classified as a Variant of Uncertain Significance.